The following is an entry in ClinVar:

ClinVar aggregate classification (germline): Conflicting classifications of pathogenicity. Review status: criteria provided, conflicting classifications (1 of 4 stars). 2 submissions from 2 submitters: Pathogenic (1); Uncertain significance (1). Last evaluated 2026-07-01.

Conditions:
Glycogen storage disease, type II (IOPD). Also called: CARDIOMEGALIA GLYCOGENICA DIFFUSA; GLYCOGENOSIS, GENERALIZED, CARDIAC FORM; GSD II; Glycogen storage disease type 2; Acid maltase deficiency disease; Aglucosidase alfa. Identifiers: Orphanet 365, MedGen C0017921, MONDO:0009290, OMIM 232300.

Submissions (2):

Genomenon, Inc
Classification: Uncertain significance for Glycogen storage disease, type II. Last evaluated: 2026-07-01. Review status: criteria provided, single submitter. Criteria: Genomenon Sequence Variant Interpretation Standards - Updated. Collection method: curation. Allele origin: germline. Affected: yes.
Comment: GAA c.2799G>A is a synonymous variant that retains Lysine at codon 933. This variant has been observed in at least one proband with a GAA-related disorder in the compound heterozygous and/or homozygous state (PMID:38958145). It is absent or not present at a significant frequency in gnomAD. In silico models predict that this variant is possibly or probably damaging. In conclusion, we classify GAA c.2799G>A (p.Lys933=) as a variant of uncertain significance.

Genomic Diagnostics Laboratory, National Institute of Medical Genomics
Classification: Pathogenic for Glycogen storage disease, type II. Last evaluated: 2024-11-01. Review status: criteria provided, single submitter. Criteria: ACMG Guidelines, 2015. Collection method: clinical testing. Allele origin: inherited. Inheritance: Autosomal recessive inheritance. Affected: yes. Observed: 1 compound heterozygote.
Comment: The variant p.(Lys933=) is absent from exomes and genomes of the gnomAD database. The nucleotide c.2799G is highly conserved among species (Phylo P 4.984, PhastCons 1), and it is the last nucleotide of exon 19. The mRNA analysis revealed that an alternative splicing of the c.2799G>A allele produce two isoforms. One isoform generates a frameshift and a premature stop p.(A934fs), and the other has 90 bases from the exon lost and is predicted to cause the in-frame deletion of 30 amino acids located in the distal b sheet domain . The results of this analysis allowed us to classify this variant as pathogenic.

Literature cited by the submitters: PubMed 38958145 (cited by Genomenon, Inc).

NM_000152.5(GAA):c.2799G>A (p.Lys933=)

Gene: GAA (alpha glucosidase; plus strand). Cytogenetic location: 17q25.3.
Variant type: single nucleotide variant.
Coding change: c.2799G>A on transcript NM_000152.5 (MANE Select); coding-DNA position 2799, G replaced by A.
Protein change: p.Lys933=; no amino-acid change (lysine 933 retained).
Molecular consequence: synonymous variant.
Genome position (GRCh38, 1-based): chr17:80,118,805, G>A. VCF-style: chr17-80118805-G-A. GRCh37 (hg19) VCF-style: chr17-78092604-G-A.
Other names: c.2799G>A, p.Lys933= (NM_001079803.3, NM_001079804.3, NM_001406741.1 and 1 more transcripts).
Identifiers: ClinVar variation 3393042 (VCV003393042.3).